The following is an entry in ClinVar:

NM_005591.4(MRE11):c.1201C>G (p.His401Asp)

Gene: MRE11 (MRE11 double strand break repair nuclease; minus strand). Cytogenetic location: 11q21.
Variant type: single nucleotide variant.
Coding change: c.1201C>G on transcript NM_005591.4 (MANE Select); coding-DNA position 1201, C replaced by G.
Protein change: p.His401Asp; replaces histidine 401 with aspartic acid.
Molecular consequence: missense variant.
Genome position (GRCh38, 1-based): chr11:94,464,137, G>C on the plus strand (C>G on the coding strand, the complement: MRE11 is on the minus strand). VCF-style: chr11-94464137-G-C. GRCh37 (hg19) VCF-style: chr11-94197303-G-C.
Other names: c.1201C>G, p.His401Asp (NM_001330347.2, NM_005590.4); short protein forms H401D.
Identifiers: ClinVar variation 233642 (VCV000233642.15), dbSNP rs876660542, ClinGen allele CA10579385.
Genomic context (GRCh38, chr11:94,464,137, plus strand): 5'-GAACATTTTTTTACCTCATAAAAATAACTAGCTTACCTGTTTTTTCCTTTTGTTCTCTAT[G>C]CCTGAAAAAATGGATAATGTCTTTTGGATTAGCTACCCGATCCACAAATTTCTGGCTAAA-3'
Protein context (NP_005582.1, residues 391-411): NPKDIIHFFR[His401Asp]REQKEKTGEE

ClinVar aggregate classification (germline): Uncertain significance. Review status: criteria provided, multiple submitters, no conflicts (2 of 4 stars). 3 submissions from 3 submitters: Uncertain significance (3). Last evaluated 2025-12-21.

Conditions:
Ataxia-telangiectasia-like disorder 1 (ATLD1). Identifiers: Orphanet 251347, MedGen C4012790, MONDO:0024557, OMIM 604391.
Ataxia-telangiectasia-like disorder (ATLD). Identifiers: MedGen C1858391, MONDO:0011457.
Hereditary cancer-predisposing syndrome. Also called: Tumor predisposition; Hereditary neoplastic syndrome; Hereditary Cancer Syndrome; Neoplastic Syndromes, Hereditary. Identifiers: Orphanet 140162, MedGen C0027672, MeSH D009386, MONDO:0015356.

Allele frequency attached by ClinVar (database versions not stated): gnomAD exomes below 0.00001; TOPMed 0.00001.
gnomAD v4.1: 1 of 1,613,410 alleles (0.000062%); no homozygotes.

Submissions (3):

Ambry Genetics
Classification: Uncertain significance for Hereditary cancer-predisposing syndrome. Last evaluated: 2025-12-21. Review status: criteria provided, single submitter. Criteria: Ambry Variant Classification Scheme 2023. Collection method: clinical testing. Allele origin: germline.
Comment: The p.H401D variant (also known as c.1201C>G), located in coding exon 10 of the MRE11A gene, results from a C to G substitution at nucleotide position 1201. The histidine at codon 401 is replaced by aspartic acid, an amino acid with similar properties. This amino acid position is not well conserved in available vertebrate species. In addition, this alteration is predicted to be tolerated by in silico analysis. Since supporting evidence is limited at this time, the clinical significance of this alteration remains unclear.

Labcorp Genetics (formerly Invitae), Labcorp
Classification: Uncertain significance for Ataxia-telangiectasia-like disorder. Last evaluated: 2022-03-01. Review status: criteria provided, single submitter. Criteria: Invitae Variant Classification Sherloc (09022015). Collection method: clinical testing. Allele origin: germline.
Comment: This sequence change replaces histidine, which is basic and polar, with aspartic acid, which is acidic and polar, at codon 401 of the MRE11 protein (p.His401Asp). This variant is present in population databases (no rsID available, gnomAD 0.003%). This variant has not been reported in the literature in individuals affected with MRE11-related conditions. ClinVar contains an entry for this variant (Variation ID: 233642). Algorithms developed to predict the effect of missense changes on protein structure and function are either unavailable or do not agree on the potential impact of this missense change (SIFT: "Deleterious"; PolyPhen-2: "Benign"; Align-GVGD: "Class C0"). In summary, the available evidence is currently insufficient to determine the role of this variant in disease. Therefore, it has been classified as a Variant of Uncertain Significance.

Revvity Omics, Revvity
Classification: Uncertain significance for Ataxia-telangiectasia-like disorder 1. Last evaluated: 2019-06-27. Review status: criteria provided, single submitter. Criteria: ACMG Guidelines, 2015. Collection method: clinical testing. Allele origin: germline.